The following is an entry in ClinVar:

NM_206933.4(USH2A):c.1397G>T (p.Gly466Val)

Gene: USH2A (usherin; minus strand). Cytogenetic location: 1q41.
Variant type: single nucleotide variant.
Coding change: c.1397G>T on transcript NM_206933.4 (MANE Select); coding-DNA position 1397, G replaced by T.
Protein change: p.Gly466Val; replaces glycine 466 with valine.
Molecular consequence: missense variant.
Genome position (GRCh38, 1-based): chr1:216,323,627, C>A on the plus strand (G>T on the coding strand, the complement: USH2A is on the minus strand). VCF-style: chr1-216323627-C-A. GRCh37 (hg19) VCF-style: chr1-216496969-C-A.
Other names: c.1397G>T, p.Gly466Val (NM_007123.6); short protein forms G466V.
Identifiers: ClinVar variation 554616 (VCV000554616.15), dbSNP rs1553250627, ClinGen allele CA344910184.
Genomic context (GRCh38, chr1:216,323,627, plus strand): 5'-CTTATTTGCGTGGCTTTTACGAACTCTTGAAGAGATGGGGTATTATAGAAGTTATTGTAT[C>A]CAGGACGATAATTTGGTCCAGGTGTCAGGATGCTAAATGTGACATTGCCACGGGAATATG-3'
Protein context (NP_996816.3, residues 456-476): ILTPGPNYRP[Gly466Val]YNNFYNTPSL

ClinVar aggregate classification (germline): Pathogenic/Likely pathogenic. Review status: criteria provided, multiple submitters, no conflicts (2 of 4 stars). 7 submissions from 7 submitters: Pathogenic (3); Likely pathogenic (2). 2 of the submissions do not count toward it. Last evaluated 2025-12-18.

Conditions:
Usher syndrome type 2A. Also called: USHER SYNDROME, TYPE IIA; RETINAL DISEASE IN USHER SYNDROME TYPE IIA, MODIFIER OF. Identifiers: Orphanet 231178, Orphanet 886, MedGen C1848634, MONDO:0010169, OMIM 276901.
Retinitis pigmentosa 39 (RP39). Identifiers: Orphanet 791, MedGen C3151138, MONDO:0013436, OMIM 613809.
USH2A-related disorder. Also called: USH2A-related disorders; USH2A-related condition. Identifiers: MedGen CN239332.

Allele frequency attached by ClinVar (database versions not stated): gnomAD exomes below 0.00001; TOPMed below 0.00001; gnomAD 0.00001.
gnomAD v4.1: 5 of 1,613,338 alleles (0.00031%); highest among the groups gnomAD compares: East Asian, 0.011%; no homozygotes.

Submissions (7):

Myriad Genetics, Inc.
Classification: Likely pathogenic for USH2A-related disorder. Last evaluated: 2025-12-18. Review status: criteria provided, single submitter. Criteria: Myriad Autosomal Dominant, Autosomal Recessive and X-Linked Classification Criteria (2023). Collection method: clinical testing. Allele origin: unknown.
Comment: NM_206933.2(USH2A):c.1397G>T(G466V) is a missense variant classified as likely pathogenic in the context of USH2A-related disorders. G466V has been observed in cases with relevant disease (PMID: 31960602, 32675063, 33090715, 24938718). Relevant functional assessments of this variant are not available in the literature. G466V has not been observed in referenced population frequency databases. . Please note: this variant was assessed in the context of healthy population screening.

Fulgent Genetics
Classification: Likely pathogenic for Usher syndrome type 2A; Retinitis pigmentosa 39. Last evaluated: 2024-05-08. Review status: criteria provided, single submitter. Criteria: ACMG Guidelines, 2015. Collection method: clinical testing. Allele origin: germline.

Labcorp Genetics (formerly Invitae), Labcorp
Classification: Pathogenic. Last evaluated: 2023-08-31. Review status: criteria provided, single submitter. Criteria: Invitae Variant Classification Sherloc (09022015). Collection method: clinical testing. Allele origin: germline.
Comment: This sequence change replaces glycine, which is neutral and non-polar, with valine, which is neutral and non-polar, at codon 466 of the USH2A protein (p.Gly466Val). This variant is not present in population databases (gnomAD no frequency). This missense change has been observed in individual(s) with retinitis pigmentosa (PMID: 24938718, 31960602; Invitae). In at least one individual the data is consistent with being in trans (on the opposite chromosome) from a pathogenic variant. ClinVar contains an entry for this variant (Variation ID: 554616). Advanced modeling of protein sequence and biophysical properties (such as structural, functional, and spatial information, amino acid conservation, physicochemical variation, residue mobility, and thermodynamic stability) performed at Invitae indicates that this missense variant is expected to disrupt USH2A protein function. For these reasons, this variant has been classified as Pathogenic.

Baylor Genetics
Classification: Pathogenic for Retinitis pigmentosa 39. Last evaluated: 2023-02-16. Review status: criteria provided, single submitter. Criteria: ACMG Guidelines, 2015. Collection method: clinical testing. Allele origin: unknown.

Blueprint Genetics
Classification: Pathogenic for USH2A-related disorders. Last evaluated: 2022-02-14. Review status: criteria provided, single submitter. Criteria: ACMG Guidelines, 2015. Collection method: clinical testing. Allele origin: germline. Affected: yes. Observed: 4 variant alleles.

Natera, Inc.
Classification: Uncertain significance for Usher syndrome type 2A. Last evaluated: 2020-07-27. Review status: flagged submission. Collection method: clinical testing. Allele origin: germline. Not counted in ClinVar's aggregate classification.
ClinVar note: Reason: Claim with insufficient supporting evidence

Counsyl
Classification: Uncertain significance for Usher syndrome type 2A; Retinitis pigmentosa 39. Last evaluated: 2017-10-27. Review status: flagged submission. Collection method: clinical testing. Allele origin: unknown. Not counted in ClinVar's aggregate classification.
ClinVar note: Reason: Older claim that does not account for recent evidence

Literature cited by the submitters: PubMed 24938718 (cited by 3 submitters); PubMed 31960602 (cited by Myriad Genetics, Inc. and Labcorp Genetics (formerly Invitae), Labcorp); PubMed 32675063 (cited by Myriad Genetics, Inc.); PubMed 33090715 (cited by Myriad Genetics, Inc.).